The following is an entry in ClinVar:

NM_004168.4(SDHA):c.470G>A (p.Gly157Asp)

Gene: SDHA (succinate dehydrogenase complex flavoprotein subunit A; plus strand). Cytogenetic location: 5p15.33.
Variant type: single nucleotide variant.
Coding change: c.470G>A on transcript NM_004168.4 (MANE Select); coding-DNA position 470, G replaced by A.
Protein change: p.Gly157Asp; replaces glycine 157 with aspartic acid.
Molecular consequence: missense variant.
Genome position (GRCh38, 1-based): chr5:225,896, G>A. VCF-style: chr5-225896-G-A. GRCh37 (hg19) VCF-style: chr5-226011-G-A.
Other names: c.326G>A, p.Gly109Asp (NM_001294332.2); c.470G>A, p.Gly157Asp (NM_001330758.2); short protein forms G157D, G109D.
Identifiers: ClinVar variation 3438704 (VCV003438704.1).

ClinVar aggregate classification (germline): Uncertain significance (1 of 4 stars; one submission).

Conditions:
Hereditary cancer-predisposing syndrome. Also called: Tumor predisposition; Neoplastic Syndromes, Hereditary; Hereditary neoplastic syndrome; Hereditary Cancer Syndrome. Identifiers: Orphanet 140162, MedGen C0027672, MeSH D009386, MONDO:0015356.

Submission:

Ambry Genetics
Classification: Uncertain significance for Hereditary cancer-predisposing syndrome. Last evaluated: 2024-11-01. Review status: criteria provided, single submitter. Criteria: Ambry Variant Classification Scheme 2023. Collection method: clinical testing. Allele origin: germline.
Comment: The p.G157D variant (also known as c.470G>A), located in coding exon 5 of the SDHA gene, results from a G to A substitution at nucleotide position 470. The glycine at codon 157 is replaced by aspartic acid, an amino acid with similar properties. This amino acid position is highly conserved in available vertebrate species. In addition, this alteration is predicted to be deleterious by in silico analysis. Based on the available evidence, the clinical significance of this variant remains unclear.